The following is an entry in ClinVar:

NM_001110556.2(FLNA):c.373+6G>T

Gene: FLNA (filamin A; minus strand). Cytogenetic location: Xq28.
Variant type: single nucleotide variant.
Coding change: c.373+6G>T on transcript NM_001110556.2 (MANE Select); 6 bases into the intron after coding-DNA position 373, G replaced by T.
Molecular consequence: intron variant.
Genome position (GRCh38, 1-based): chrX:154,370,867, C>A on the plus strand (G>T on the coding strand, the complement: FLNA is on the minus strand). VCF-style: chrX-154370867-C-A. GRCh37 (hg19) VCF-style: chrX-153599235-C-A.
Other names: c.373+6G>T (NM_001456.4).
Identifiers: ClinVar variation 2661797 (VCV002661797.24), dbSNP rs2522771166, ClinGen allele CA2695197148.

ClinVar aggregate classification (germline): Uncertain significance (1 of 4 stars; one submission).

Submission:

CeGaT Center for Human Genetics Tuebingen
Classification: Uncertain significance. Last evaluated: 2023-02-01. Review status: criteria provided, single submitter. Criteria: CeGaT Center For Human Genetics Tuebingen Variant Classification Criteria Version 2. Collection method: clinical testing. Allele origin: germline. Affected: yes. Observed: 1 variant allele.
Comment: FLNA: PM2, BP4